The following is an entry in ClinVar:

NM_000426.4(LAMA2):c.6643G>T (p.Gly2215Ter)

Gene: LAMA2 (laminin subunit alpha 2; plus strand). Cytogenetic location: 6q22.33.
Variant type: single nucleotide variant.
Coding change: c.6643G>T on transcript NM_000426.4 (MANE Select); coding-DNA position 6643, G replaced by T.
Protein change: p.Gly2215Ter; replaces glycine 2215 with a stop codon.
Molecular consequence: nonsense.
Genome position (GRCh38, 1-based): chr6:129,454,224, G>T. VCF-style: chr6-129454224-G-T. GRCh37 (hg19) VCF-style: chr6-129775369-G-T.
Other names: c.6643G>T, p.Gly2215Ter (NM_001079823.2); short protein forms G2215*.
Identifiers: ClinVar variation 1726121 (VCV001726121.3), dbSNP rs2533419284, ClinGen allele CA365617090.

ClinVar aggregate classification (germline): Likely pathogenic (1 of 4 stars; one submission).

Conditions:
LAMA2-related muscular dystrophy (LAMA2-RD). Also called: Laminin alpha 2-related dystrophy. Identifiers: MedGen C5679788, MONDO:0100228.

Submission:

Myriad Genetics, Inc.
Classification: Likely pathogenic for LAMA2-related muscular dystrophy. Last evaluated: 2022-05-18. Review status: criteria provided, single submitter. Criteria: Myriad Autosomal Dominant, Autosomal Recessive and X-Linked Classification Criteria (2023). Collection method: clinical testing. Allele origin: unknown.
Comment: NM_000426.3(LAMA2):c.6643G>T(G2215*) is expected to be pathogenic in the context of muscular dystrophy, LAMA2-related. This variant is predicted to lead to an abnormal or absent protein product due to the creation of a premature termination codon in LAMA2, a gene where loss-of-function variants are known to be pathogenic. Please note: this variant was assessed in the context of healthy population screening.